The following is an entry in ClinVar:

ClinVar aggregate classification (germline): Uncertain significance (1 of 4 stars; one submission).

Conditions:
Lipodystrophy, partial, acquired, susceptibility to (APLD). Also called: APLD, SUSCEPTIBILITY TO. Identifiers: MedGen C3887501, MONDO:0100476, OMIM 608709.
Progressive myoclonic epilepsy type 9. Identifiers: Orphanet 457265, MedGen C4225289, MONDO:0014685, OMIM 616540.

Allele frequency attached by ClinVar (database versions not stated): ExAC 0.00001; gnomAD exomes 0.00001 and 0.00002; gnomAD 0.00003; TOPMed 0.00003.
gnomAD v4.1: 27 of 1,613,048 alleles (0.0017%); highest among the groups gnomAD compares: East Asian, 0.0045%; no homozygotes.

Submission:

Labcorp Genetics (formerly Invitae), Labcorp
Classification: Uncertain significance for Progressive myoclonic epilepsy type 9; Lipodystrophy, partial, acquired, susceptibility to. Last evaluated: 2024-07-06. Review status: criteria provided, single submitter. Criteria: Invitae Variant Classification Sherloc (09022015). Collection method: clinical testing. Allele origin: germline.
Comment: This sequence change replaces threonine, which is neutral and polar, with methionine, which is neutral and non-polar, at codon 545 of the LMNB2 protein (p.Thr545Met). This variant is present in population databases (rs746479856, gnomAD 0.006%). This variant has not been reported in the literature in individuals affected with LMNB2-related conditions. ClinVar contains an entry for this variant (Variation ID: 1389668). Advanced modeling of protein sequence and biophysical properties (such as structural, functional, and spatial information, amino acid conservation, physicochemical variation, residue mobility, and thermodynamic stability) performed at Invitae indicates that this missense variant is expected to disrupt LMNB2 protein function with a positive predictive value of 80%. In summary, the available evidence is currently insufficient to determine the role of this variant in disease. Therefore, it has been classified as a Variant of Uncertain Significance.

NM_032737.4(LMNB2):c.1634C>T (p.Thr545Met)

Gene: LMNB2 (lamin B2; minus strand). Cytogenetic location: 19p13.3.
Variant type: single nucleotide variant.
Coding change: c.1634C>T on transcript NM_032737.4 (MANE Select); coding-DNA position 1634, C replaced by T.
Protein change: p.Thr545Met; replaces threonine 545 with methionine.
Molecular consequence: missense variant.
Genome position (GRCh38, 1-based): chr19:2,431,859, G>A on the plus strand (C>T on the coding strand, the complement: LMNB2 is on the minus strand). VCF-style: chr19-2431859-G-A. GRCh37 (hg19) VCF-style: chr19-2431857-G-A.
Other names: short protein forms T545M.
Identifiers: ClinVar variation 1389668 (VCV001389668.6), dbSNP rs746479856, ClinGen allele CA9067388.